The following is an entry in ClinVar:

NM_000463.3(UGT1A1):c.1021C>T (p.Arg341Ter)

Genes: UGT1A6 (UDP glucuronosyltransferase family 1 member A6; plus strand), UGT1A9 (UDP glucuronosyltransferase family 1 member A9; plus strand), UGT1A (UDP glucuronosyltransferase family 1 member A complex locus; plus strand), UGT1A7 (UDP glucuronosyltransferase family 1 member A7; plus strand), UGT1A3 (UDP glucuronosyltransferase family 1 member A3; plus strand) and 5 more. Cytogenetic location: 2q37.1.
Variant type: single nucleotide variant.
Coding change: c.1021C>T on transcript NM_000463.3 (MANE Select); coding-DNA position 1021, C replaced by T.
Protein change: p.Arg341Ter; replaces arginine 341 with a stop codon.
Molecular consequence: nonsense.
Genome position (GRCh38, 1-based): chr2:233,767,873, C>T. VCF-style: chr2-233767873-C-T. GRCh37 (hg19) VCF-style: chr2-234676519-C-T.
Other names: UGT1A1*10; 1021(C>T); c.1012C>T, p.Arg338Ter (NM_019075.4, NM_019076.5, NM_019077.3 and 1 more transcripts); c.1018C>T, p.Arg340Ter (NM_001072.4); c.217C>T, p.Arg73Ter (NM_205862.3); c.1024C>T, p.Arg342Ter (NM_019078.2, NM_007120.3, NM_019093.4); short protein forms R341*, R338*, R340*, R342*, R73*.
Identifiers: ClinVar variation 12269 (VCV000012269.15), dbSNP rs72551349, ClinGen allele CA122029.
Genomic context (GRCh38, chr2:233,767,873, plus strand): 5'-TCTTTCTTTACGTTCTGCTCTTTTTGCCCCTCCCAGGTCCTGTGGCGGTACACTGGAACC[C>T]GACCATCGAATCTTGCGAACAACACGATACTTGTTAAGTGGCTACCCCAAAACGATCTGC-3'

ClinVar aggregate classification (germline): Pathogenic/Likely pathogenic. Review status: criteria provided, multiple submitters, no conflicts (2 of 4 stars). 12 submissions from 11 submitters: Pathogenic (8); Likely pathogenic (1). 3 of the submissions do not count toward it. Last evaluated 2025-03-04.

Conditions:
Gilbert syndrome. Also called: Gilbert Disease; HYPERBILIRUBINEMIA I; HYPERBILIRUBINEMIA, ARIAS TYPE; Gilbert's syndrome; HYPERBILIRUBINEMIA, GILBERT TYPE. Identifiers: MedGen C0017551, MONDO:0007745, OMIM 143500.
Crigler-Najjar syndrome type 1. Also called: HYPERBILIRUBINEMIA, CRIGLER-NAJJAR TYPE I. Identifiers: Orphanet 79234, MedGen C0010324, MONDO:0021020, OMIM 218800.
Lucey-Driscoll syndrome (HBLRTFN). Also called: Transient familial neonatal hyperbilirubinemia. Identifiers: Orphanet 2312, MedGen C0270210, MONDO:0009383, OMIM 237900.
Crigler-Najjar syndrome, type II. Also called: HYPERBILIRUBINEMIA, CRIGLER-NAJJAR TYPE II; Crigler Najjar syndrome, type 2; Mutation in the UDP-glucuronosyl-transferase gene. Identifiers: Orphanet 205, Orphanet 79235, MedGen C2931132, MONDO:0011725, OMIM 606785.
BILIRUBIN, SERUM LEVEL OF, QUANTITATIVE TRAIT LOCUS 1 (BILIQTL1). Identifiers: MedGen C1866173, OMIM 601816.
UGT1A1-related disorder. Also called: UGT1A1-related disorders; UGT1A1-related condition.

Allele frequency attached by ClinVar (database versions not stated): ExAC 0.00002; gnomAD 0.00002 and 0.00003; TOPMed 0.00003.
gnomAD v4.1: 32 of 1,614,038 alleles (0.002%); highest among the groups gnomAD compares: South Asian, 0.015%; no homozygotes.

Submissions (12):

Center for Genomic Medicine, Rigshospitalet, Copenhagen University Hospital
Classification: Pathogenic. Last evaluated: 2025-03-04. Review status: criteria provided, single submitter. Criteria: ACMG Guidelines, 2015. Collection method: clinical testing. Allele origin: germline.

Labcorp Genetics (formerly Invitae), Labcorp
Classification: Pathogenic. Last evaluated: 2024-11-01. Review status: criteria provided, single submitter. Criteria: Invitae Variant Classification Sherloc (09022015). Collection method: clinical testing. Allele origin: germline.
Comment: This sequence change creates a premature translational stop signal (p.Arg341*) in the UGT1A1 gene. It is expected to result in an absent or disrupted protein product. Loss-of-function variants in UGT1A1 are known to be pathogenic (PMID: 23290513). This variant is present in population databases (rs72551349, gnomAD 0.02%). This premature translational stop signal has been observed in individual(s) with UGT1A1-related conditions (PMID: 14616765). ClinVar contains an entry for this variant (Variation ID: 12269). For these reasons, this variant has been classified as Pathogenic.

Fulgent Genetics
Classification: Likely pathogenic for Gilbert syndrome; Crigler-Najjar syndrome type 1; Lucey-Driscoll syndrome; BILIRUBIN, SERUM LEVEL OF, QUANTITATIVE TRAIT LOCUS 1; Crigler-Najjar syndrome, type II. Last evaluated: 2024-06-22. Review status: criteria provided, single submitter. Criteria: ACMG Guidelines, 2015. Collection method: clinical testing. Allele origin: germline.

ARUP Laboratories, Molecular Genetics and Genomics, ARUP Laboratories
Classification: Pathogenic. Last evaluated: 2024-05-24. Review status: criteria provided, single submitter. Criteria: ARUP Molecular Germline Variant Investigation Process 2024. Collection method: clinical testing. Allele origin: germline.
Comment: The UGT1A1 c.1021C>T; p.Arg341* variant (rs72551349, ClinVar Variation ID 12269) is reported in the literature in several individuals affected with non-hemolytic unconjugated hyperbilirubinemia (Maruo 2003, Zubaida 2019). While individuals with Crigler-Najjar type I were homozygous for this particular UGT1A1 variant, both Crigler-Najjar type II and Gilbert syndrome individuals were compound heterozygous carriers. This variant is found in the general population with an overall allele frequency of 0.0032% (9/280454 alleles) in the Genome Aggregation Database (v2.1.1). In vitro functional analyses demonstrate no residual enzyme activity when homozygous, and partial activity in heterozygous state (Maruo 2003). Based on available information, this variant is considered to be pathogenic. References: Maruo Y et al. Co-occurrence of three different mutations in the bilirubin UDP-glucuronosyltransferase gene in a Chinese family with Crigler-Najjar syndrome type I and Gilbert's syndrome. Clin Genet. 2003 Nov. PMID: 14616765. Zubaida B et al. Spectrum of UGT1A1 variants in Pakistani children affected with inherited unconjugated hyperbilirubinemias. Clin Biochem. 2019 Jul. PMID: 31145902.

Mendelics
Classification: Pathogenic for Gilbert syndrome. Last evaluated: 2022-05-04. Review status: criteria provided, single submitter. Criteria: Mendelics Assertion Criteria 2019. Collection method: clinical testing. Allele origin: germline.

3billion
Classification: Pathogenic for Crigler-Najjar syndrome type 1. Last evaluated: 2022-03-22. Review status: criteria provided, single submitter. Criteria: ACMG Guidelines, 2015. Collection method: clinical testing. Allele origin: germline. Affected: yes. Observed: 1 homozygote.
Comment: Stop-gained (nonsense): predicted to result in a loss or disruption of normal protein function through nonsense-mediated decay (NMD) or protein truncation. Multiple pathogenic variants are reported downstream of the variant. The variant has been reported at least twice as pathogenic/likely pathogenic with clinical assertions and evidence for the classification (ClinVar ID: VCV000012269, PMID:8102509). It is observed at an extremely low frequency in the gnomAD v2.1.1 dataset (total allele frequency: 0.0000360). Therefore, this variant is classified as pathogenic according to the recommendation of ACMG/AMP guideline.

Dubai Health Genomic Medicine Center, Dubai Health
Classification: Pathogenic for Gilbert syndrome. Last evaluated: 2019-12-26. Review status: criteria provided, single submitter. Criteria: ACMG Guidelines, 2015. Collection method: clinical testing. Allele origin: germline. Affected: yes.
Comment: The p.Arg341* nonsense variatnt in UGT1A1 has been previously reported in the homozygous state in at least five Pakistani patients affected with Crigler–Najjar syndrome type 1 (CN1). This variant was also observed in 5/30614 (0.0163% 0 homozygotes) South Asian alleles in gnomAD (Genome Aggregation Database). The p.Arg341* variant is predicted to introduce a premature stop codon at position 341 in the only known UGT1A1 transcript which is then expected to lead to a truncated or absent protein. Functional analysis of liver tissue from one of the CN-1 patients harbouring this variant in homozygous state confirmed a loss of function effect on the protein. In summary, this variant meets our criteria to be classified as pathogenic.

Genetic Services Laboratory, University of Chicago
Classification: Pathogenic. Last evaluated: 2018-04-06. Review status: criteria provided, single submitter. Criteria: ACMG Guidelines, 2015. Collection method: clinical testing. Allele origin: germline. Affected: yes.

CENTOGENE GmbH and LLC - Guiding Precision Medicine
Classification: Pathogenic for Crigler-Najjar syndrome type 1. Review status: criteria provided, single submitter. Criteria: ACMG Guidelines, 2015. Collection method: clinical testing. Allele origin: germline. Affected: yes.

PreventionGenetics, part of Exact Sciences
Classification: Pathogenic for UGT1A1-related condition. Last evaluated: 2024-05-16. Review status: no assertion criteria provided. Collection method: clinical testing. Allele origin: germline. Not counted in ClinVar's aggregate classification.
Comment: The UGT1A1 c.1021C>T variant is predicted to result in premature protein termination (p.Arg341*). This variant has been reported as homozygous in individuals with Crigler-Najjar syndrome 1 (Moghrabi et al. 1993. PubMed ID: 8102509; Maruo et al 2003. PubMed ID: 14616765; Zubaida et al. 2019. PubMed ID: 31145902; Cheema et al. 2020. PubMed ID: 33083013). This variant is reported in 0.016% of alleles in individuals of South Asian descent in gnomAD. Nonsense variants in UGT1A1 are expected to be pathogenic. This variant is interpreted as pathogenic.

OMIM
Classification: Pathogenic for CRIGLER-NAJJAR SYNDROME, TYPE I. Last evaluated: 2003-11-01. Review status: no assertion criteria provided. Collection method: literature only. Allele origin: germline. Not counted in ClinVar's aggregate classification.

OMIM
Classification: Affects for GILBERT SYNDROME. Last evaluated: 2003-11-01. Review status: no assertion criteria provided. Collection method: literature only. Allele origin: germline. Not counted in ClinVar's aggregate classification.

Literature cited by the submitters: PubMed 14616765 (cited by 3 submitters); PubMed 23290513 (cited by Labcorp Genetics (formerly Invitae), Labcorp); PubMed 8102509 (cited by 3billion); PubMed 1692835 (cited by OMIM); PubMed 8276413 (cited by OMIM).